The following is an entry in ClinVar:

ClinVar aggregate classification (germline): Uncertain significance. Review status: criteria provided, multiple submitters, no conflicts (2 of 4 stars). 3 submissions from 3 submitters: Uncertain significance (3). Last evaluated 2025-12-06.

Conditions:
ABCB4-related disorder. Also called: ABCB4-related disorders; ABCB4-related condition.
Inborn genetic diseases. Identifiers: MedGen C0950123, MeSH D030342.

Submissions (3):

Labcorp Genetics (formerly Invitae), Labcorp
Classification: Uncertain significance. Last evaluated: 2025-12-06. Review status: criteria provided, single submitter. Criteria: Invitae Variant Classification Sherloc (09022015). Collection method: clinical testing. Allele origin: germline.
Comment: This sequence change replaces phenylalanine, which is neutral and non-polar, with tyrosine, which is neutral and polar, at codon 769 of the ABCB4 protein (p.Phe769Tyr). This variant is not present in population databases (gnomAD no frequency). This variant has not been reported in the literature in individuals affected with ABCB4-related conditions. ClinVar contains an entry for this variant (Variation ID: 3532678). Invitae Evidence Modeling of protein sequence and biophysical properties (such as structural, functional, and spatial information, amino acid conservation, physicochemical variation, residue mobility, and thermodynamic stability) indicates that this missense variant is not expected to disrupt ABCB4 protein function with a negative predictive value of 80%. In summary, the available evidence is currently insufficient to determine the role of this variant in disease. Therefore, it has been classified as a Variant of Uncertain Significance.

PreventionGenetics, part of Exact Sciences
Classification: Uncertain significance for ABCB4-related condition. Last evaluated: 2025-06-16. Review status: criteria provided, single submitter. Criteria: ACMG Guidelines, 2015. Collection method: clinical testing. Allele origin: germline.
Comment: The ABCB4 c.2306T>A variant is predicted to result in the amino acid substitution p.Phe769Tyr. To our knowledge, this variant has not been reported in the literature or in a large population database (gnomAD), indicating this variant is rare. At this time, the clinical significance of this variant is uncertain due to the absence of conclusive functional and genetic evidence.

Ambry Genetics
Classification: Uncertain significance for Inborn genetic diseases. Last evaluated: 2024-11-26. Review status: criteria provided, single submitter. Criteria: Ambry Variant Classification Scheme 2023. Collection method: clinical testing. Allele origin: germline.

NM_000443.4(ABCB4):c.2306T>A (p.Phe769Tyr)

Gene: ABCB4 (ATP binding cassette subfamily B member 4; minus strand). Cytogenetic location: 7q21.12.
Variant type: single nucleotide variant.
Coding change: c.2306T>A on transcript NM_000443.4 (MANE Select); coding-DNA position 2306, T replaced by A.
Protein change: p.Phe769Tyr; replaces phenylalanine 769 with tyrosine.
Molecular consequence: missense variant.
Genome position (GRCh38, 1-based): chr7:87,422,131, A>T on the plus strand (T>A on the coding strand, the complement: ABCB4 is on the minus strand). VCF-style: chr7-87422131-A-T. GRCh37 (hg19) VCF-style: chr7-87051447-A-T.
Other names: c.2306T>A, p.Phe769Tyr (NM_018849.3, NM_018850.3); short protein forms F769Y.
Identifiers: ClinVar variation 3532678 (VCV003532678.3).